The following is an entry in ClinVar:

ClinVar aggregate classification (germline): Pathogenic/Likely pathogenic. Review status: criteria provided, multiple submitters, no conflicts (2 of 4 stars). 3 submissions from 2 submitters: Pathogenic (1); Likely pathogenic (1). 1 of the submissions does not count toward it. Last evaluated 2024-08-13.

Conditions:
Primary open angle glaucoma (POAG). Also called: OPTN-related open angle glaucoma. Identifiers: MedGen C0339573, MONDO:0100553, OMIM 137760.
Amyotrophic lateral sclerosis type 12 (ALS12). Also called: AMYOTROPHIC LATERAL SCLEROSIS 12 WITH OR WITHOUT FRONTOTEMPORAL DEMENTIA. Identifiers: Orphanet 803, MedGen C3150692, MONDO:0013264, OMIM 613435.
Glaucoma 1, open angle, E. Identifiers: MedGen C1842026, MONDO:0007665.

Submissions (3):

Labcorp Genetics (formerly Invitae), Labcorp
Classification: Pathogenic for Primary open angle glaucoma; Glaucoma 1, open angle, E; Amyotrophic lateral sclerosis type 12. Last evaluated: 2024-08-13. Review status: criteria provided, single submitter. Criteria: Invitae Variant Classification Sherloc (09022015). Collection method: clinical testing. Allele origin: germline.
Comment: This sequence change creates a premature translational stop signal (p.Thr307Serfs*3) in the OPTN gene. It is expected to result in an absent or disrupted protein product. Loss-of-function variants in OPTN are known to be pathogenic (PMID: 20428114). This variant is not present in population databases (gnomAD no frequency). This premature translational stop signal has been observed in individual(s) with amyotrophic lateral sclerosis (PMID: 35896380). ClinVar contains an entry for this variant (Variation ID: 191266). Algorithms developed to predict the effect of sequence changes on RNA splicing suggest that this variant may disrupt the consensus splice site. For these reasons, this variant has been classified as Pathogenic.

Genomic Medicine Center of Excellence, King Faisal Specialist Hospital and Research Centre
Classification: Likely pathogenic for Amyotrophic lateral sclerosis type 12. Last evaluated: 2024-03-25. Review status: criteria provided, single submitter. Criteria: ACMG Guidelines, 2015. Collection method: research. Allele origin: germline.

Genomic Medicine Center of Excellence, King Faisal Specialist Hospital and Research Centre
Classification: Likely pathogenic. Review status: flagged submission. Criteria: ACMG Guidelines, 2015. Collection method: research. Allele origin: germline. Affected: yes. Not counted in ClinVar's aggregate classification.
ClinVar note: Reason: This record appears to be redundant with a more recent record from the same submitter.
ClinVar note: Notes: SCV000221655 appears to be redundant with SCV004805402.

Literature cited by the submitters: PubMed 20428114 (cited by Labcorp Genetics (formerly Invitae), Labcorp); PubMed 35896380 (cited by Labcorp Genetics (formerly Invitae), Labcorp).

NM_001008212.2(OPTN):c.918_922del (p.Thr307fs)

Gene: OPTN (optineurin; plus strand). Cytogenetic location: 10p13.
Variant type: Deletion.
Coding change: c.918_922del on transcript NM_001008212.2 (MANE Select); coding-DNA positions 918 to 922, 5 bases deleted (GACAT; older notation c.918_922delGACAT).
Protein change: p.Thr307fs; shifts the reading frame from threonine 307.
Molecular consequence: frameshift variant.
Genome position (GRCh38, 1-based): chr10:13,124,030-13,124,034, GACAT deleted; deleting any 5 consecutive bases within chr10:13,124,029-13,124,034 gives the same sequence; the c. name uses the placement nearest the transcript's 3' end. VCF-style (leftmost placement, unchanged base first): chr10-13124028-GTGACA-G. GRCh37 (hg19) VCF-style: chr10-13166028-GTGACA-G.
Other names: c.918_922del, p.Thr307fs (NM_001008211.1, NM_001008213.1, NM_021980.4); short protein forms T307fs.
Identifiers: ClinVar variation 191266 (VCV000191266.8), dbSNP rs786205611, ClinGen allele CA236377.